The following is an entry in ClinVar:

NM_152419.3(HGSNAT):c.*1086G>C

Gene: HGSNAT (heparan-alpha-glucosaminide N-acetyltransferase; plus strand). Cytogenetic location: 8p11.1.
Variant type: single nucleotide variant.
Coding change: c.*1086G>C on transcript NM_152419.3 (MANE Select); 1086 bases downstream of the stop codon, G replaced by C.
Molecular consequence: 3 prime UTR variant.
Genome position (GRCh38, 1-based): chr8:43,200,655, G>C. VCF-style: chr8-43200655-G-C. GRCh37 (hg19) VCF-style: chr8-43055798-G-C.
Other names: c.*1086G>C (NM_001363227.2, NM_001363228.2, NM_001363229.2).
Identifiers: ClinVar variation 910551 (VCV000910551.4), dbSNP rs145370743, ClinGen allele CA176077496.

ClinVar aggregate classification (germline): Benign (1 of 4 stars; one submission).

Conditions:
Mucopolysaccharidosis, MPS-III-C (MPS3C). Also called: mucopolysaccharidosis type 3C; MUCOPOLYSACCHARIDOSIS, TYPE IIIC; SANFILIPPO SYNDROME C; MPS III C; Mucopolysaccharidosis type IIIC (Sanfilippo C); MPS IIIC (Sanfilippo Syndrome Type C). Identifiers: Orphanet 581, Orphanet 79271, MedGen C0086649, MONDO:0009657, OMIM 252930.

Allele frequency attached by ClinVar (database versions not stated): 1000 Genomes Project 30x 0.01765; TOPMed 0.01364; 1000 Genomes Project 0.01697.

Submission:

Illumina Laboratory Services, Illumina
Classification: Benign for Mucopolysaccharidosis, MPS-III-C. Last evaluated: 2018-01-12. Review status: criteria provided, single submitter. Criteria: ICSL Variant Classification Criteria 13 December 2019. Collection method: clinical testing. Allele origin: germline.
Comment: This variant was observed in the ICSL laboratory as part of a predisposition screen in an ostensibly healthy population. It had not been previously curated by ICSL or reported in the Human Gene Mutation Database (HGMD: prior to June 1st, 2018), and was therefore a candidate for classification through an automated scoring system. Utilizing variant allele frequency, disease prevalence and penetrance estimates, and inheritance mode, an automated score was calculated to assess if this variant is too frequent to cause the disease. Based on the score and internal cut-off values, a variant classified as benign is not then subjected to further curation. The score for this variant resulted in a classification of benign for this disease.